The following is an entry in ClinVar:

ClinVar aggregate classification (germline): Uncertain significance (1 of 4 stars; one submission).

Conditions:
DICER1-related tumor predisposition. Also called: DICER1 syndrome; DICER1-related pleuropulmonary blastoma cancer predisposition syndrome. Identifiers: Orphanet 284343, MedGen C3839822, MONDO:0100216.

Submission:

Labcorp Genetics (formerly Invitae), Labcorp
Classification: Uncertain significance for DICER1-related tumor predisposition. Last evaluated: 2021-11-05. Review status: criteria provided, single submitter. Criteria: Invitae Variant Classification Sherloc (09022015). Collection method: clinical testing. Allele origin: germline.
Comment: This sequence change replaces proline, which is neutral and non-polar, with threonine, which is neutral and polar, at codon 1850 of the DICER1 protein (p.Pro1850Thr). This variant is not present in population databases (gnomAD no frequency). This variant has not been reported in the literature in individuals affected with DICER1-related conditions. Algorithms developed to predict the effect of missense changes on protein structure and function (SIFT, PolyPhen-2, Align-GVGD) all suggest that this variant is likely to be disruptive. Algorithms developed to predict the effect of sequence changes on RNA splicing suggest that this variant may create or strengthen a splice site. In summary, the available evidence is currently insufficient to determine the role of this variant in disease. Therefore, it has been classified as a Variant of Uncertain Significance.

NM_177438.3(DICER1):c.5548C>A (p.Pro1850Thr)

Gene: DICER1 (dicer 1, ribonuclease III; minus strand). Cytogenetic location: 14q32.13.
Variant type: single nucleotide variant.
Coding change: c.5548C>A on transcript NM_177438.3 (MANE Select); coding-DNA position 5548, C replaced by A.
Protein change: p.Pro1850Thr; replaces proline 1850 with threonine.
Molecular consequence: missense variant. On other transcripts: nonsense (1).
Genome position (GRCh38, 1-based): chr14:95,091,089, G>T on the plus strand (C>A on the coding strand, the complement: DICER1 is on the minus strand). VCF-style: chr14-95091089-G-T. GRCh37 (hg19) VCF-style: chr14-95557426-G-T.
Other names: c.5385C>A, p.Tyr1795Ter (NM_001195573.1); c.5548C>A, p.Pro1850Thr (NM_001271282.3, NM_001291628.2, NM_030621.4); short protein forms P1850T, Y1795*.
Identifiers: ClinVar variation 1501718 (VCV001501718.7), dbSNP rs2139773411, ClinGen allele CA390864339.